The following is an entry in ClinVar:

ClinVar aggregate classification (germline): Benign. Review status: criteria provided, multiple submitters, no conflicts (2 of 4 stars). 2 submissions from 2 submitters: Benign (2). Last evaluated 2018-01-13.

Conditions:
Nemaline myopathy 6 (NEM6). Also called: Nemaline myopathy 6, autosomal dominant. Identifiers: Orphanet 171439, MedGen C1836472, MONDO:0012237, OMIM 609273.

Allele frequency attached by ClinVar (database versions not stated): TOPMed 0.35514; gnomAD 0.36673 and 0.37160; 1000 Genomes Project 30x 0.33854; 1000 Genomes Project 0.34325.

Submissions (2):

Illumina Laboratory Services, Illumina
Classification: Benign for Nemaline myopathy 6. Last evaluated: 2018-01-13. Review status: criteria provided, single submitter. Criteria: ICSL Variant Classification Criteria 13 December 2019. Collection method: clinical testing. Allele origin: germline.
Comment: This variant was observed in the ICSL laboratory as part of a predisposition screen in an ostensibly healthy population. It had not been previously curated by ICSL or reported in the Human Gene Mutation Database (HGMD: prior to June 1st, 2018), and was therefore a candidate for classification through an automated scoring system. Utilizing variant allele frequency, disease prevalence and penetrance estimates, and inheritance mode, an automated score was calculated to assess if this variant is too frequent to cause the disease. Based on the score and internal cut-off values, a variant classified as benign is not then subjected to further curation. The score for this variant resulted in a classification of benign for this disease.

Breakthrough Genomics
Classification: Benign. Review status: criteria provided, single submitter. Criteria: ACMG Guidelines, 2015. Collection method: not provided. Allele origin: germline. Inheritance: Autosomal dominant inheritance. Affected: yes.

NM_001101362.3(KBTBD13):c.*520A>G

Gene: KBTBD13 (kelch repeat and BTB domain containing 13; plus strand). Cytogenetic location: 15q22.31.
Variant type: single nucleotide variant.
Coding change: c.*520A>G on transcript NM_001101362.3 (MANE Select); 520 bases downstream of the stop codon, A replaced by G.
Molecular consequence: 3 prime UTR variant.
Genome position (GRCh38, 1-based): chr15:65,078,712, A>G. VCF-style: chr15-65078712-A-G. GRCh37 (hg19) VCF-style: chr15-65371050-A-G.
Identifiers: ClinVar variation 316759 (VCV000316759.6), dbSNP rs12904843, ClinGen allele CA10636357.